The following is an entry in ClinVar:

ClinVar aggregate classification (germline): Pathogenic (1 of 4 stars; one submission).

Submission:

Labcorp Genetics (formerly Invitae), Labcorp
Classification: Pathogenic. Last evaluated: 2022-09-02. Review status: criteria provided, single submitter. Criteria: Invitae Variant Classification Sherloc (09022015). Collection method: clinical testing. Allele origin: germline.
Comment: For these reasons, this variant has been classified as Pathogenic. This variant has not been reported in the literature in individuals affected with NFKB1-related conditions. This variant is not present in population databases (gnomAD no frequency). This sequence change creates a premature translational stop signal (p.Asn106Ilefs*21) in the NFKB1 gene. It is expected to result in an absent or disrupted protein product. Loss-of-function variants in NFKB1 are known to be pathogenic (PMID: 26279205, 29477724).

Literature cited by the submitters: PubMed 26279205; PubMed 29477724.

NM_003998.4(NFKB1):c.317del (p.Asn106fs)

Gene: NFKB1 (nuclear factor kappa B subunit 1; plus strand). Cytogenetic location: 4q24.
Variant type: Deletion.
Coding change: c.317del on transcript NM_003998.4 (MANE Select); coding-DNA position 317, one base deleted (A; older notation c.317delA).
Protein change: p.Asn106fs; shifts the reading frame from asparagine 106.
Molecular consequence: frameshift variant.
Genome position (GRCh38, 1-based): chr4:102,567,045, A deleted; the last of 6 consecutive A bases (chr4:102,567,040-102,567,045); deleting any one gives the same sequence. VCF-style (leftmost placement, unchanged base first): chr4-102567039-GA-G. GRCh37 (hg19) VCF-style: chr4-103488196-GA-G.
Other names: c.314del, p.Asn105fs (NM_001165412.2, NM_001319226.2, NM_001382627.1); c.317del, p.Asn106fs (NM_001382625.1, NM_001382626.1); c.275del, p.Asn92fs (NM_001382628.1); short protein forms N92fs, N106fs, N105fs.
Identifiers: ClinVar variation 2028540 (VCV002028540.4), dbSNP rs1560679469, ClinGen allele CA2580071340.